The following is an entry in ClinVar:

ClinVar aggregate classification (germline): Uncertain significance (0 of 4 stars; one submission).

Conditions:
PCSK1-related disorder. Also called: PCSK1-related condition.

Allele frequency attached by ClinVar (database versions not stated): gnomAD exomes 0.00001; TOPMed 0.00001; gnomAD 0.00001; ExAC 0.00002.
gnomAD v4.1: 10 of 1,529,026 alleles (0.00065%); highest among the groups gnomAD compares: East Asian, 0.0023%; no homozygotes.

Submission:

PreventionGenetics, part of Exact Sciences
Classification: Uncertain significance for PCSK1-related condition. Last evaluated: 2024-02-15. Review status: no assertion criteria provided. Collection method: clinical testing. Allele origin: germline.
Comment: The PCSK1 c.613G>A variant is predicted to result in the amino acid substitution p.Glu205Lys. This variant was observed in a cohort of obese individuals, and in vitro functional studies show moderate evidence of loss of function (Supplemental Data Set, Shah et al. 2023. PubMed ID: 36864747). This variant is reported in 0.0054% of alleles in individuals of East Asian descent in gnomAD. Although we suspect that this variant may be pathogenic, at this time, the clinical significance of this variant is uncertain due to the absence of conclusive functional and genetic evidence.

NM_000439.5(PCSK1):c.613G>A (p.Glu205Lys)

Genes: CAST (calpastatin; plus strand), PCSK1 (proprotein convertase subtilisin/kexin type 1; minus strand), LOC101929710 (uncharacterized LOC101929710; plus strand). Cytogenetic location: 5q15.
Variant type: single nucleotide variant.
Coding change: c.613G>A on transcript NM_000439.5 (MANE Select); coding-DNA position 613, G replaced by A.
Protein change: p.Glu205Lys; replaces glutamic acid 205 with lysine.
Molecular consequence: missense variant. On other transcripts: intron variant (11).
Genome position (GRCh38, 1-based): chr5:96,421,887, C>T on the plus strand (G>A on the coding strand, the complement: PCSK1 is on the minus strand). VCF-style: chr5-96421887-C-T. GRCh37 (hg19) VCF-style: chr5-95757591-C-T.
Other names: c.-175+42235C>T (NM_001423254.1, NM_001423259.1, NM_001423255.1 and 6 more transcripts); c.-103+42235C>T (NM_001423253.1); c.-40+42235C>T (NM_001423258.1); c.472G>A, p.Glu158Lys (NM_001177875.2); short protein forms E158K, E205K.
Identifiers: ClinVar variation 3044093 (VCV003044093.2), dbSNP rs770310795, ClinGen allele CA3350423.